The following is an entry in ClinVar:

NM_005859.5(PURA):c.214C>A (p.Arg72Ser)

Gene: PURA (purine rich element binding protein A; plus strand). Cytogenetic location: 5q31.3.
Variant type: single nucleotide variant.
Coding change: c.214C>A on transcript NM_005859.5 (MANE Select); coding-DNA position 214, C replaced by A.
Protein change: p.Arg72Ser; replaces arginine 72 with serine.
Molecular consequence: missense variant.
Genome position (GRCh38, 1-based): chr5:140,114,395, C>A. VCF-style: chr5-140114395-C-A. GRCh37 (hg19) VCF-style: chr5-139493980-C-A.
Other names: short protein forms R72S.
Identifiers: ClinVar variation 1810146 (VCV001810146.2), dbSNP rs2479504515, ClinGen allele CA361490137.

ClinVar aggregate classification (germline): Pathogenic (1 of 4 stars; one submission).

Submission:

GeneDx
Classification: Pathogenic. Last evaluated: 2023-05-17. Review status: criteria provided, single submitter. Criteria: GeneDx Variant Classification Process June 2021. Collection method: clinical testing. Allele origin: germline. Affected: yes.
Comment: Not observed at significant frequency in large population cohorts (gnomAD); In silico analysis supports that this missense variant has a deleterious effect on protein structure/function; Has not been previously published as pathogenic or benign to our knowledge